The following is an entry in ClinVar:

NM_007294.4(BRCA1):c.5262A>T (p.Glu1754Asp)

Gene: BRCA1 (BRCA1 DNA repair associated; minus strand). Cytogenetic location: 17q21.31.
Variant type: single nucleotide variant.
Coding change: c.5262A>T on transcript NM_007294.4 (MANE Select); coding-DNA position 5262, A replaced by T.
Protein change: p.Glu1754Asp; replaces glutamic acid 1754 with aspartic acid.
Molecular consequence: missense variant. On other transcripts: non-coding transcript variant (1).
Genome position (GRCh38, 1-based): chr17:43,057,067, T>A on the plus strand (A>T on the coding strand, the complement: BRCA1 is on the minus strand). VCF-style: chr17-43057067-T-A. GRCh37 (hg19) VCF-style: chr17-41209084-T-A.
Other names: c.5049A>T, p.Glu1683Asp (NM_001407571.1, NM_001407900.1, NM_001407902.1 and 12 more transcripts); c.5328A>T, p.Glu1776Asp (NM_001407581.1, NM_001407582.1); c.5325A>T, p.Glu1775Asp (NM_001407583.1, NM_001407585.1, NM_001407587.1 and 1 more transcripts); c.5259A>T, p.Glu1753Asp (NM_001407610.1, NM_001407611.1, NM_001407612.1 and 17 more transcripts); c.5256A>T, p.Glu1752Asp (NM_001407629.1, NM_001407630.1, NM_001407631.1 and 14 more transcripts); c.5202A>T, p.Glu1734Asp (NM_001407649.1); c.5184A>T, p.Glu1728Asp (NM_001407652.1, NM_001407653.1, NM_001407654.1 and 1 more transcripts); c.5181A>T, p.Glu1727Asp (NM_001407656.1, NM_001407657.1, NM_001407658.1); and 72 more; short protein forms E1775D, E650D, E1707D, E1754D, E1457D, E1458D, E1585D, E1643D.
Identifiers: ClinVar variation 867903 (VCV000867903.3), dbSNP rs2051501825, ClinGen allele CA10591031.

Conditions:
Breast-ovarian cancer, familial, susceptibility to, 1 (BROVCA1). Also called: BRCA1 Hereditary Breast and Ovarian Cancer; OVARIAN CANCER, SUSCEPTIBILITY TO. Identifiers: Orphanet 145, MedGen C2676676, MONDO:0011450, OMIM 604370. Disease mechanism: loss of function.

Submission:

Brotman Baty Institute, University of Washington
No classification provided (evidence only). Condition: Breast-ovarian cancer, familial 1. Review status: no classification provided. Collection method: in vitro. Allele origin: not applicable. Functional consequence: functionally_normal.
ClinVar note: "not provided" was previously submitted as the classification for the variant. However, the classification appeared to be based only on an observation of functional data so it was converted to no classification on 2025-07-30.